The following is an entry in ClinVar:

ClinVar aggregate classification (germline): Uncertain significance (1 of 4 stars; one submission).

Conditions:
Thrombophilia due to protein S deficiency, autosomal recessive (THPH6). Identifiers: Orphanet 743, MedGen C3281092, MONDO:0013791, OMIM 614514. Disease mechanism: loss of function.

Allele frequency attached by ClinVar (database versions not stated): gnomAD exomes 0.00001; TOPMed 0.00001; ExAC 0.00002.
gnomAD v4.1: 19 of 1,609,890 alleles (0.0012%); highest among the groups gnomAD compares: East Asian, 0.0022%; no homozygotes.

Submission:

Labcorp Genetics (formerly Invitae), Labcorp
Classification: Uncertain significance for Thrombophilia due to protein S deficiency, autosomal recessive. Last evaluated: 2024-01-12. Review status: criteria provided, single submitter. Criteria: Invitae Variant Classification Sherloc (09022015). Collection method: clinical testing. Allele origin: germline.
Comment: This sequence change replaces methionine, which is neutral and non-polar, with valine, which is neutral and non-polar, at codon 385 of the PROS1 protein (p.Met385Val). This variant is present in population databases (rs767653920, gnomAD 0.006%). This missense change has been observed in individual(s) with protein S deficiency (PMID: 34729451). An algorithm developed to predict the effect of missense changes on protein structure and function (PolyPhen-2) suggests that this variant is likely to be tolerated. Algorithms developed to predict the effect of sequence changes on RNA splicing suggest that this variant may create or strengthen a splice site. In summary, the available evidence is currently insufficient to determine the role of this variant in disease. Therefore, it has been classified as a Variant of Uncertain Significance.

Literature cited by the submitters: PubMed 34729451.

NM_000313.4(PROS1):c.1153A>G (p.Met385Val)

Gene: PROS1 (protein S; minus strand). Cytogenetic location: 3q11.1.
Variant type: single nucleotide variant.
Coding change: c.1153A>G on transcript NM_000313.4 (MANE Select); coding-DNA position 1153, A replaced by G.
Protein change: p.Met385Val; replaces methionine 385 with valine.
Molecular consequence: missense variant.
Genome position (GRCh38, 1-based): chr3:93,892,935, T>C on the plus strand (A>G on the coding strand, the complement: PROS1 is on the minus strand). VCF-style: chr3-93892935-T-C. GRCh37 (hg19) VCF-style: chr3-93611779-T-C.
Other names: c.1249A>G, p.Met417Val (NM_001314077.2); short protein forms M417V, M385V.
Identifiers: ClinVar variation 2978315 (VCV002978315.3), dbSNP rs767653920, ClinGen allele CA2503272.